The following is an entry in ClinVar:

ClinVar aggregate classification (germline): Pathogenic. Review status: criteria provided, multiple submitters, no conflicts (2 of 4 stars). 7 submissions from 7 submitters: Pathogenic (6). 1 of the submissions does not count toward it. Last evaluated 2025-12-26.

Conditions:
Mitochondrial DNA depletion syndrome 3 (hepatocerebral type). Also called: Deoxyguanosine Kinase Deficiency; Mitochondrial DNA depletion syndrome, hepatocerebral form due to DGUOK deficiency; MITOCHONDRIAL DNA DEPLETION SYNDROME 3. Identifiers: Orphanet 279934, MedGen CN074093, MONDO:0009636, OMIM 251880.
Portal hypertension, noncirrhotic, 1 (NCPH1). Identifiers: MedGen CN305369, MONDO:8000013, OMIM 617068.
Progressive external ophthalmoplegia with mitochondrial DNA deletions, autosomal recessive 4. Also called: Adult-onset multiple mitochondrial DNA deletion syndrome due to DGUOK deficiency; PROGRESSIVE EXTERNAL OPHTHALMOPLEGIA, AUTOSOMAL RECESSIVE 4. Identifiers: Orphanet 329314, MedGen C4310733, MONDO:0014899, OMIM 617070.
DGUOK-related disorder. Also called: DGUOK-related condition.
Inborn genetic diseases. Identifiers: MedGen C0950123, MeSH D030342.

Allele frequency attached by ClinVar (database versions not stated): gnomAD 0.00001; gnomAD exomes 0.00002; TOPMed 0.00002.
gnomAD v4.1: 38 of 1,613,976 alleles (0.0024%); highest among the groups gnomAD compares: Non-Finnish European, 0.0029%; no homozygotes.

Submissions (7):

PreventionGenetics, part of Exact Sciences
Classification: Pathogenic for DGUOK-related condition. Last evaluated: 2025-12-26. Review status: criteria provided, single submitter. Criteria: ACMG Guidelines, 2015. Collection method: clinical testing. Allele origin: germline.
Comment: The DGUOK c.679G>A variant is predicted to result in the amino acid substitution p.Glu227Lys. This variant was reported in the homozygous or compound heterozygous state in individuals with mitochondrial DNA depletion syndrome (see, for example, Salviati et al. 2002. PubMed ID: 12205643; Lee et al. 2009. PubMed ID: 19103789; Deng et al. 2016. PubMed ID: 27324545; Ünal et al. 2017. PubMed ID: 28493820; Xia et al. 2020. PubMed ID: 32482602). This variant is reported in 0.011% of alleles in individuals of East Asian descent in gnomAD. This variant is interpreted as pathogenic.

Labcorp Genetics (formerly Invitae), Labcorp
Classification: Pathogenic. Last evaluated: 2025-04-30. Review status: criteria provided, single submitter. Criteria: Invitae Variant Classification Sherloc (09022015). Collection method: clinical testing. Allele origin: germline.
Comment: This sequence change replaces glutamic acid, which is acidic and polar, with lysine, which is basic and polar, at codon 227 of the DGUOK protein (p.Glu227Lys). This variant is present in population databases (rs104893632, gnomAD 0.01%). This missense change has been observed in individual(s) with mitochondrial DNA depletion syndrome (PMID: 12205643, 19103789, 27324545, 28493820, 32482602). In at least one individual the data is consistent with being in trans (on the opposite chromosome) from a pathogenic variant. It has also been observed to segregate with disease in related individuals. ClinVar contains an entry for this variant (Variation ID: 8158). Invitae Evidence Modeling of protein sequence and biophysical properties (such as structural, functional, and spatial information, amino acid conservation, physicochemical variation, residue mobility, and thermodynamic stability) indicates that this missense variant is expected to disrupt DGUOK protein function with a positive predictive value of 95%. For these reasons, this variant has been classified as Pathogenic.

Women's Health and Genetics/Laboratory Corporation of America, LabCorp
Classification: Pathogenic for DGUOK-Related Disorders. Last evaluated: 2024-01-22. Review status: criteria provided, single submitter. Criteria: LabCorp Variant Classification Summary - May 2015. Collection method: clinical testing. Allele origin: germline.
Comment: Variant summary: DGUOK c.679G>A (p.Glu227Lys) results in a conservative amino acid change located in the Deoxynucleoside kinase domain (IPR031314) of the encoded protein sequence. Four of five in-silico tools predict a damaging effect of the variant on protein function. The variant allele was found at a frequency of 2.4e-05 in 251342 control chromosomes (gnomAD). c.679G>A has been reported in the literature in multiple individuals affected with DGUOK-Related Disorders (examples: Salviati_2002,Lee_2009, Deng_2016,Unal_2017, Xia_2020). These data indicate that the variant is very likely to be associated with disease. The following publications have been ascertained in the context of this evaluation (PMID: 27324545, 12205643, 32482602, 19103789, 28493820). ClinVar contains an entry for this variant (Variation ID: 8158). Based on the evidence outlined above, the variant was classified as pathogenic.

GeneDx
Classification: Pathogenic. Last evaluated: 2022-10-20. Review status: criteria provided, single submitter. Criteria: GeneDx Variant Classification Process June 2021. Collection method: clinical testing. Allele origin: germline. Affected: yes.
Comment: Published functional studies demonstrate a severely decreased catalytic rate (PMID: 14623087); Not observed at significant frequency in large population cohorts (gnomAD); In silico analysis, which includes protein predictors and evolutionary conservation, supports a deleterious effect; In silico analysis is inconclusive as to whether the variant alters gene splicing. In the absence of RNA/functional studies, the actual effect of this sequence change is unknown.; This variant is associated with the following publications: (PMID: 27324545, 18825706, 17892433, 22494545, 24478274, 28493820, 29137425, 30366773, 12205643, 35488641, 19103789, 32482602, 14623087)

Ambry Genetics
Classification: Pathogenic for Inborn genetic diseases. Last evaluated: 2022-01-26. Review status: criteria provided, single submitter. Criteria: Ambry Variant Classification Scheme 2023. Collection method: clinical testing. Allele origin: germline.
Comment: The c.679G>A (p.E227K) alteration is located in exon 5 (coding exon 5) of the DGUOK gene. This alteration results from a G to A substitution at nucleotide position 679, causing the glutamic acid (E) at amino acid position 227 to be replaced by a lysine (K). Based on data from gnomAD, the A allele has an overall frequency of <0.01% (6/251342) total alleles studied. This alteration has been reported in the homozygous state or compound heterozygous with a second pathogenic DGUOK variant in trans in patients with mitochondrial DNA depletion syndrome (Deng, 2016; Lee, 2009; Salviati, 2002; Xia, 2020). Experimental studies with recombinant E227K enzyme showed a severely decreased catalytic rate (Wang, 2003). This alteration is predicted to be deleterious by in silico analysis. Based on the available evidence, this alteration is classified as pathogenic.

Juno Genomics, Hangzhou Juno Genomics, Inc
Classification: Pathogenic for Mitochondrial DNA depletion syndrome 3 (hepatocerebral type); Portal hypertension, noncirrhotic, 1; Progressive external ophthalmoplegia with mitochondrial DNA deletions, autosomal recessive 4. Review status: criteria provided, single submitter. Criteria: ACMG Guidelines, 2015. Collection method: clinical testing. Allele origin: germline. Affected: yes.
Comment: Absent from controls (or at extremely low frequency if recessive) in Genome Aggregation Database, Exome Sequencing Project, 1000 Genomes Project, or Exome Aggregation Consortium.;Multiple lines of computational evidence support a deleterious effect on the gene or gene product (conservation, evolutionary, splicing impact, etc).;For recessive disorders, detected in trans with a pathogenic variant.;Patient's phenotype or family history is highly specific for a disease with a single genetic etiology.

OMIM
Classification: Pathogenic for MITOCHONDRIAL DNA DEPLETION SYNDROME 3 (HEPATOCEREBRAL TYPE). Last evaluated: 2002-09-01. Review status: no assertion criteria provided. Collection method: literature only. Allele origin: germline. Not counted in ClinVar's aggregate classification.

Literature cited by the submitters: PubMed 12205643 (cited by 4 submitters); PubMed 19103789 (cited by 3 submitters); PubMed 27324545 (cited by 3 submitters); PubMed 28493820 (cited by Labcorp Genetics (formerly Invitae), Labcorp and Women's Health and Genetics/Laboratory Corporation of America, LabCorp); PubMed 32482602 (cited by 3 submitters); PubMed 14623087 (cited by Ambry Genetics); PubMed 30366773 (cited by Ambry Genetics).

NM_080916.3(DGUOK):c.679G>A (p.Glu227Lys)

Gene: DGUOK (deoxyguanosine kinase; plus strand). Cytogenetic location: 2p13.1.
Variant type: single nucleotide variant.
Coding change: c.679G>A on transcript NM_080916.3 (MANE Select); coding-DNA position 679, G replaced by A.
Protein change: p.Glu227Lys; replaces glutamic acid 227 with lysine.
Molecular consequence: missense variant. On other transcripts: non-coding transcript variant (1), intron variant (2).
Genome position (GRCh38, 1-based): chr2:73,957,212, G>A. VCF-style: chr2-73957212-G-A. GRCh37 (hg19) VCF-style: chr2-74184339-G-A.
Other names: c.388G>A, p.Glu130Lys (NM_001318860.2, NM_001318861.2); c.370G>A, p.Glu124Lys (NM_001318862.2, NM_001318863.2); c.444-934G>A (NM_080918.3); c.426-934G>A (NM_001318859.2); c.679G>A (NM_080916.2); short protein forms E227K, E124K, E130K.
Identifiers: ClinVar variation 8158 (VCV000008158.15), dbSNP rs104893632, ClinGen allele CA254329.